The following is an entry in ClinVar:

NM_024642.5(GALNT12):c.272T>C (p.Leu91Pro)

Gene: GALNT12 (polypeptide N-acetylgalactosaminyltransferase 12; plus strand). Cytogenetic location: 9q22.33.
Variant type: single nucleotide variant.
Coding change: c.272T>C on transcript NM_024642.5 (MANE Select); coding-DNA position 272, T replaced by C.
Protein change: p.Leu91Pro; replaces leucine 91 with proline.
Molecular consequence: missense variant.
Genome position (GRCh38, 1-based): chr9:98,807,970, T>C. VCF-style: chr9-98807970-T-C. GRCh37 (hg19) VCF-style: chr9-101570252-T-C.
Other names: short protein forms L91P.
Identifiers: ClinVar variation 3518513 (VCV003518513.1).

ClinVar aggregate classification (germline): Uncertain significance (1 of 4 stars; one submission).

Submission:

Ambry Genetics
Classification: Uncertain significance. Last evaluated: 2024-10-27. Review status: criteria provided, single submitter. Criteria: Ambry Variant Classification Scheme 2023. Collection method: clinical testing. Allele origin: germline.
Comment: The p.L91P variant (also known as c.272T>C), located in coding exon 1 of the GALNT12 gene, results from a T to C substitution at nucleotide position 272. The leucine at codon 91 is replaced by proline, an amino acid with similar properties. This amino acid position is conserved. In addition, this alteration is predicted to be tolerated by in silico analysis. Based on the available evidence, the clinical significance of this variant remains unclear.